The following is an entry in ClinVar:

NM_023004.6(RTN4R):c.1182G>A (p.Pro394=)

Gene: RTN4R (reticulon 4 receptor; minus strand). Cytogenetic location: 22q11.21.
Variant type: single nucleotide variant.
Coding change: c.1182G>A on transcript NM_023004.6 (MANE Select); coding-DNA position 1182, G replaced by A.
Protein change: p.Pro394=; no amino-acid change (proline 394 retained).
Molecular consequence: synonymous variant.
Genome position (GRCh38, 1-based): chr22:20,241,951, C>T on the plus strand (G>A on the coding strand, the complement: RTN4R is on the minus strand). VCF-style: chr22-20241951-C-T. GRCh37 (hg19) VCF-style: chr22-20229474-C-T.
Identifiers: ClinVar variation 4990536 (VCV004990536.1).
Genomic context (GRCh38, chr22:20,241,951, plus strand): 5'-GCGAGGGCCCGAGGTGGGGAACCCTGGTGGCTCGGAGCCCTCGGGCCGCACTGCAGTGAG[C>T]GGGGGCTCAGCAGAGCCAGGCAGAGTCCCAAAGGGTGAGTCATTGATGTGCCGTGGGCCA-3'
Protein context (NP_075380.1, residues 384-404): FGTLPGSAEP[Pro394=]LTAVRPEGSE

ClinVar aggregate classification (germline): Likely benign (1 of 4 stars; one submission).

Conditions:
RTN4R-related disorder. Also called: RTN4R-related condition.

gnomAD v4.1: 2,339 of 1,608,710 alleles (0.15%); highest among the groups gnomAD compares: Non-Finnish European, 0.18%; 4 homozygotes.

Submission:

PreventionGenetics, part of Exact Sciences
Classification: Likely benign for RTN4R-related condition. Last evaluated: 2025-03-10. Review status: criteria provided, single submitter. Criteria: ACMG Guidelines, 2015. Collection method: clinical testing. Allele origin: germline.
Comment: This variant is classified as likely benign based on ACMG/AMP sequence variant interpretation guidelines (Richards et al. 2015 PMID: 25741868, with internal and published modifications).